The following is an entry in ClinVar:

ClinVar aggregate classification (germline): Likely pathogenic (1 of 4 stars; one submission).

Submission:

Labcorp Genetics (formerly Invitae), Labcorp
Classification: Likely pathogenic. Last evaluated: 2023-11-27. Review status: criteria provided, single submitter. Criteria: Invitae Variant Classification Sherloc (09022015). Collection method: clinical testing. Allele origin: germline.
Comment: This sequence change replaces glycine, which is neutral and non-polar, with cysteine, which is neutral and slightly polar, at codon 1977 of the ABCA4 protein (p.Gly1977Cys). This variant is not present in population databases (gnomAD no frequency). This variant has not been reported in the literature in individuals affected with ABCA4-related conditions. ClinVar contains an entry for this variant (Variation ID: 1482182). Advanced modeling of protein sequence and biophysical properties (such as structural, functional, and spatial information, amino acid conservation, physicochemical variation, residue mobility, and thermodynamic stability) performed at Invitae indicates that this missense variant is expected to disrupt ABCA4 protein function with a positive predictive value of 95%. This variant disrupts the p.Gly1977 amino acid residue in ABCA4. Other variant(s) that disrupt this residue have been determined to be pathogenic (PMID: 9781034, 23755871, 27739528, 29925512). This suggests that this residue is clinically significant, and that variants that disrupt this residue are likely to be disease-causing. In summary, the currently available evidence indicates that the variant is pathogenic, but additional data are needed to prove that conclusively. Therefore, this variant has been classified as Likely Pathogenic.

Literature cited by the submitters: PubMed 9781034; PubMed 23755871; PubMed 27739528; PubMed 29925512.

NM_000350.3(ABCA4):c.5929G>T (p.Gly1977Cys)

Gene: ABCA4 (ATP binding cassette subfamily A member 4; minus strand). Cytogenetic location: 1p22.1.
Variant type: single nucleotide variant.
Coding change: c.5929G>T on transcript NM_000350.3 (MANE Select); coding-DNA position 5929, G replaced by T.
Protein change: p.Gly1977Cys; replaces glycine 1977 with cysteine.
Molecular consequence: missense variant.
Genome position (GRCh38, 1-based): chr1:94,007,710, C>A on the plus strand (G>T on the coding strand, the complement: ABCA4 is on the minus strand). VCF-style: chr1-94007710-C-A. GRCh37 (hg19) VCF-style: chr1-94473266-C-A.
Other names: c.5707G>T, p.Gly1903Cys (NM_001425324.1); short protein forms G1977C, G1903C.
Identifiers: ClinVar variation 1482182 (VCV001482182.6), dbSNP rs61750639, ClinGen allele CA341279638.